The following is an entry in ClinVar:

ClinVar aggregate classification (germline): Uncertain significance (1 of 4 stars; one submission).

Conditions:
Hereditary cancer-predisposing syndrome. Also called: Hereditary Cancer Syndrome; Hereditary neoplastic syndrome; Neoplastic Syndromes, Hereditary; Tumor predisposition. Identifiers: Orphanet 140162, MedGen C0027672, MeSH D009386, MONDO:0015356.

Submission:

Ambry Genetics
Classification: Uncertain significance for Hereditary cancer-predisposing syndrome. Last evaluated: 2025-05-14. Review status: criteria provided, single submitter. Criteria: Ambry Variant Classification Scheme 2023. Collection method: clinical testing. Allele origin: germline.
Comment: The p.I1537N variant (also known as c.4610T>A), located in coding exon 35 of the TSC2 gene, results from a T to A substitution at nucleotide position 4610. The isoleucine at codon 1537 is replaced by asparagine, an amino acid with dissimilar properties. This amino acid position is well conserved in available vertebrate species. In addition, this alteration is predicted to be deleterious by in silico analysis. Based on the available evidence, the clinical significance of this variant remains unclear.

NM_000548.5(TSC2):c.4610T>A (p.Ile1537Asn)

Gene: TSC2 (TSC complex subunit 2; plus strand). Cytogenetic location: 16p13.3.
Variant type: single nucleotide variant.
Coding change: c.4610T>A on transcript NM_000548.5 (MANE Select); coding-DNA position 4610, T replaced by A.
Protein change: p.Ile1537Asn; replaces isoleucine 1537 with asparagine.
Molecular consequence: missense variant.
Genome position (GRCh38, 1-based): chr16:2,085,270, T>A. VCF-style: chr16-2085270-T-A. GRCh37 (hg19) VCF-style: chr16-2135271-T-A.
Other names: c.4409T>A, p.Ile1470Asn (NM_001077183.3); c.4541T>A, p.Ile1514Asn (NM_001114382.3); c.4301T>A, p.Ile1434Asn (NM_001318827.2); c.4265T>A, p.Ile1422Asn (NM_001318829.2); c.3878T>A, p.Ile1293Asn (NM_001318831.2); c.4442T>A, p.Ile1481Asn (NM_001318832.2); c.4412T>A, p.Ile1471Asn (NM_001363528.2); c.4478T>A, p.Ile1493Asn (NM_001370404.1); and 26 more; short protein forms I1023N, I1465N, I1536N, I1537N, I936N, I1022N, I1271N, I1293N.
Identifiers: ClinVar variation 1741892 (VCV001741892.3), dbSNP rs760056622, ClinGen allele CA394304697.